The following is an entry in ClinVar:

ClinVar aggregate classification (germline): Uncertain significance (1 of 4 stars; one submission).

Submission:

Labcorp Genetics (formerly Invitae), Labcorp
Classification: Uncertain significance. Last evaluated: 2022-08-30. Review status: criteria provided, single submitter. Criteria: Invitae Variant Classification Sherloc (09022015). Collection method: clinical testing. Allele origin: germline.
Comment: In summary, the available evidence is currently insufficient to determine the role of this variant in disease. Therefore, it has been classified as a Variant of Uncertain Significance. Advanced modeling of protein sequence and biophysical properties (such as structural, functional, and spatial information, amino acid conservation, physicochemical variation, residue mobility, and thermodynamic stability) performed at Invitae indicates that this missense variant is not expected to disrupt COL4A3 protein function. This variant has not been reported in the literature in individuals affected with COL4A3-related conditions. This variant is not present in population databases (gnomAD no frequency). This sequence change replaces alanine, which is neutral and non-polar, with glycine, which is neutral and non-polar, at codon 1439 of the COL4A3 protein (p.Ala1439Gly).

NM_000091.5(COL4A3):c.4316C>G (p.Ala1439Gly)

Genes: COL4A3 (collagen type IV alpha 3 chain; plus strand), MFF-DT (MFF divergent transcript; minus strand). Cytogenetic location: 2q36.3.
Variant type: single nucleotide variant.
Coding change: c.4316C>G on transcript NM_000091.5 (MANE Select); coding-DNA position 4316, C replaced by G.
Protein change: p.Ala1439Gly; replaces alanine 1439 with glycine.
Molecular consequence: missense variant.
Genome position (GRCh38, 1-based): chr2:227,307,773, C>G. VCF-style: chr2-227307773-C-G. GRCh37 (hg19) VCF-style: chr2-228172489-C-G.
Other names: short protein forms A1439G.
Identifiers: ClinVar variation 1718383 (VCV001718383.5), dbSNP rs756003401, ClinGen allele CA350864234.